The following is an entry in ClinVar:

NM_001034116.2(EIF2B4):c.1465T>C (p.Tyr489His)

Genes: EIF2B4 (eukaryotic translation initiation factor 2B subunit delta; minus strand), GTF3C2-AS2 (GTF3C2 antisense RNA 2; plus strand). Cytogenetic location: 2p23.3.
Variant type: single nucleotide variant.
Coding change: c.1465T>C on transcript NM_001034116.2 (MANE Select); coding-DNA position 1465, T replaced by C.
Protein change: p.Tyr489His; replaces tyrosine 489 with histidine.
Molecular consequence: missense variant.
Genome position (GRCh38, 1-based): chr2:27,364,507, A>G on the plus strand (T>C on the coding strand, the complement: EIF2B4 is on the minus strand). VCF-style: chr2-27364507-A-G. GRCh37 (hg19) VCF-style: chr2-27587374-A-G.
Other names: c.1528T>C, p.Tyr510His (NM_001318965.2); c.1420T>C, p.Tyr474His (NM_001318966.2); c.1372T>C, p.Tyr458His (NM_001318967.2); c.880T>C, p.Tyr294His (NM_001318968.2); c.847T>C, p.Tyr283His (NM_001318969.2); c.1462T>C, p.Tyr488His (NM_015636.4); c.1525T>C, p.Tyr509His (NM_172195.4); c.1462T>C (NM_015636.3); short protein forms Y489H, Y510H, Y458H, Y283H, Y474H, Y509H, Y294H, Y488H.
Identifiers: ClinVar variation 4122 (VCV000004122.7), dbSNP rs113994040, ClinGen allele CA116653.

ClinVar aggregate classification (germline): Pathogenic/Likely pathogenic. Review status: criteria provided, multiple submitters, no conflicts (2 of 4 stars). 3 submissions from 3 submitters: Pathogenic (1); Likely pathogenic (1). 1 of the submissions does not count toward it. Last evaluated 2024-04-29.

Conditions:
Leukoencephalopathy with vanishing white matter 4 (VWM4). Also called: EIF2B4-Related Childhood Ataxia with Central Nervous System Hypomyelination/Vanishing White Matter; Leukoencephalopathy with vanishing white matter 4, with or without ovarian failure. Identifiers: MedGen C5830406, MONDO:0957872, OMIM 620314.
Vanishing white matter disease. Also called: Childhood ataxia with diffuse central nervous system hypomyelination; Leukoencephalopathy with vanishing white matter; CACH/VWM syndrome; Cree leukoencehalopathy; CACH syndrome. Identifiers: Orphanet 135, Orphanet 99853, MedGen C1858991, MONDO:0800448.

Allele frequency attached by ClinVar (database versions not stated): gnomAD 0.00001; gnomAD exomes below 0.00001; ExAC 0.00001; TOPMed 0.00001.
gnomAD v4.1: 3 of 1,614,138 alleles (0.00019%); highest among the groups gnomAD compares: Non-Finnish European, 0.00025%; no homozygotes.

Submissions (3):

Fulgent Genetics
Classification: Likely pathogenic for Leukoencephalopathy with vanishing white matter 4. Last evaluated: 2024-04-29. Review status: criteria provided, single submitter. Criteria: ACMG Guidelines, 2015. Collection method: clinical testing. Allele origin: germline.

Women's Health and Genetics/Laboratory Corporation of America, LabCorp
Classification: Pathogenic for Vanishing white matter disease. Last evaluated: 2024-04-24. Review status: criteria provided, single submitter. Criteria: LabCorp Variant Classification Summary - May 2015. Collection method: clinical testing. Allele origin: germline.
Comment: Variant summary: EIF2B4 c.1462T>C (p.Tyr488His) results in a conservative amino acid change located in the Initiation factor 2B-like, C-terminal domain (IPR042529) of the encoded protein sequence. Three of five in-silico tools predict a damaging effect of the variant on protein function. The variant allele was found at a frequency of 4e-06 in 251476 control chromosomes. c.1462T>C has been reported in the literature in multiple individuals affected with Leukoencephalopathy With Vanishing White Matter (e.g. Fogli_2003, Slynko_2021, Deng_2021). These data indicate that the variant is very likely to be associated with disease. This variant is also known as T1465C (Y489H) in the literature. The following publications have been ascertained in the context of this evaluation (PMID: 34745209, 12707859, 33432707). ClinVar contains an entry for this variant (Variation ID: 4122). Based on the evidence outlined above, the variant was classified as pathogenic.

OMIM
Classification: Pathogenic for LEUKOENCEPHALOPATHY WITH VANISHING WHITE MATTER 4. Last evaluated: 2003-06-01. Review status: no assertion criteria provided. Collection method: literature only. Allele origin: germline. Not counted in ClinVar's aggregate classification.

Literature cited by the submitters: PubMed 33432707 (cited by Women's Health and Genetics/Laboratory Corporation of America, LabCorp); PubMed 34745209 (cited by Women's Health and Genetics/Laboratory Corporation of America, LabCorp); PubMed 12707859 (cited by Women's Health and Genetics/Laboratory Corporation of America, LabCorp and OMIM).